The following is an entry in ClinVar:

ClinVar aggregate classification (germline): Uncertain significance (1 of 4 stars; one submission).

Allele frequency attached by ClinVar (database versions not stated): gnomAD exomes below 0.00001.
gnomAD v4.1: 1 of 1,614,170 alleles (0.000062%); highest among the groups gnomAD compares: Non-Finnish European, 0.000085%; no homozygotes.

Submission:

GeneDx
Classification: Uncertain significance. Last evaluated: 2025-07-19. Review status: criteria provided, single submitter. Criteria: GeneDx Variant Classification Process June 2021. Collection method: clinical testing. Allele origin: germline. Affected: yes.
Comment: Has not been previously published as pathogenic or benign to our knowledge; In silico analysis supports that this missense variant has a deleterious effect on protein structure/function; Not observed at significant frequency in large population cohorts (gnomAD)

NM_001308093.3(GATA4):c.742A>G (p.Met248Val)

Gene: GATA4 (GATA binding protein 4). Cytogenetic location: 8p23.1.
Variant type: single nucleotide variant.
Coding change: c.742A>G on transcript NM_001308093.3 (MANE Select); coding-DNA position 742, A replaced by G.
Protein change: p.Met248Val; replaces methionine 248 with valine.
Molecular consequence: missense variant.
Genome position (GRCh38, 1-based): chr8:11,749,041, A>G. VCF-style: chr8-11749041-A-G. GRCh37 (hg19) VCF-style: chr8-11606550-A-G.
Other names: c.121A>G, p.Met41Val (NM_001308094.2, NM_001374273.1, NM_001374274.1); c.739A>G, p.Met247Val (NM_002052.5); short protein forms M247V, M248V, M41V.
Identifiers: ClinVar variation 1309233 (VCV001309233.3), dbSNP rs2130307346, ClinGen allele CA370312798.